The following is an entry in ClinVar:

NM_133459.4(CCBE1):c.*2403dup

Gene: CCBE1 (collagen and calcium binding EGF domains 1; minus strand). Cytogenetic location: 18q21.32.
Variant type: Duplication.
Coding change: c.*2403dup on transcript NM_133459.4 (MANE Select); 2403 bases downstream of the stop codon, one base duplicated (T; older notation c.*2403dupT).
Molecular consequence: 3 prime UTR variant.
Genome position (GRCh38, 1-based): chr18:59,433,505, A duplicated on the plus strand (T on the coding strand, the reverse complement: CCBE1 is on the minus strand); the first of 2 consecutive A bases (chr18:59,433,505-59,433,506); duplicating either gives the same sequence. VCF-style (leftmost placement, unchanged base first): chr18-59433504-G-GA. GRCh37 (hg19) VCF-style: chr18-57100736-G-GA.
Identifiers: ClinVar variation 2648767 (VCV002648767.24), dbSNP rs370758874, ClinGen allele CA301037883.

ClinVar aggregate classification (germline): Likely benign (1 of 4 stars; one submission).

Submission:

CeGaT Center for Human Genetics Tuebingen
Classification: Likely benign. Last evaluated: 2023-01-01. Review status: criteria provided, single submitter. Criteria: CeGaT Center For Human Genetics Tuebingen Variant Classification Criteria Version 2. Collection method: clinical testing. Allele origin: germline. Affected: yes. Observed: 1 variant allele.
Comment: CCBE1: BS1